The following is an entry in ClinVar:

ClinVar aggregate classification (germline): Benign/Likely benign. Review status: criteria provided, multiple submitters, no conflicts (2 of 4 stars). 4 submissions from 4 submitters: Benign (1); Likely benign (3). Last evaluated 2025-11-01.

Conditions:
Hereditary cancer-predisposing syndrome. Also called: Neoplastic Syndromes, Hereditary; Hereditary Cancer Syndrome; Hereditary neoplastic syndrome; Tumor predisposition. Identifiers: Orphanet 140162, MedGen C0027672, MeSH D009386, MONDO:0015356.
Gastrointestinal stromal tumor. Also called: Gastrointestinal stromal tumor, somatic; Gastrointestinal stroma tumor. Identifiers: Orphanet 44890, MedGen C0238198, MeSH D046152, MONDO:0011719, OMIM 606764, HP:0100723.
Pheochromocytoma/paraganglioma syndrome 4. Also called: SDHB-Related Hereditary Paraganglioma-Pheochromocytoma Syndrome (Paragangliomas 4); SDHB-Related Hereditary Paraganglioma-Pheochromocytoma Syndrome; CAROTID BODY TUMORS AND MULTIPLE EXTRAADRENAL PHEOCHROMOCYTOMAS; PARAGANGLIOMA, FAMILIAL MALIGNANT; PARAGANGLIOMAS, HEREDITARY EXTRAADRENAL; PHEOCHROMOCYTOMA, FAMILIAL EXTRAADRENAL. Identifiers: Orphanet 29072, MedGen C1861848, MONDO:0007273, OMIM 115310.
Pheochromocytoma. Also called: MAX-Related Hereditary Paraganglioma-Pheochromocytoma Syndrome. Identifiers: Orphanet 29072, MedGen C0031511, MONDO:0008233, OMIM 171300, HP:0002666.
Hereditary pheochromocytoma and paraganglioma. Also called: Hereditary pheochromocytoma-paraganglioma; Hereditary Paraganglioma-Pheochromocytoma Syndromes; Hereditary paragangliomas and pheochromocytomas. Identifiers: Orphanet 29072, MedGen C4274332, MONDO:0017366.

Allele frequency attached by ClinVar (database versions not stated): gnomAD exomes below 0.00001 and 0.00001; ExAC 0.00001.
gnomAD v4.1: 3 of 1,609,284 alleles (0.00019%); highest among the groups gnomAD compares: East Asian, 0.0022%; no homozygotes.

Submissions (4):

Labcorp Genetics (formerly Invitae), Labcorp
Classification: Likely benign for Gastrointestinal stromal tumor; Pheochromocytoma/paraganglioma syndrome 4; Pheochromocytoma. Last evaluated: 2025-11-01. Review status: criteria provided, single submitter. Criteria: Invitae Variant Classification Sherloc (09022015). Collection method: clinical testing. Allele origin: germline.

Color Diagnostics, LLC DBA Color Health
Classification: Likely benign for Hereditary pheochromocytoma and paraganglioma. Last evaluated: 2025-05-25. Review status: criteria provided, single submitter. Criteria: ACMG Guidelines, 2015. Collection method: clinical testing. Allele origin: germline.

Myriad Genetics, Inc.
Classification: Benign for Pheochromocytoma/paraganglioma syndrome 4. Last evaluated: 2025-03-13. Review status: criteria provided, single submitter. Criteria: Myriad Autosomal Dominant, Autosomal Recessive and X-Linked Classification Criteria (2023). Collection method: clinical testing. Allele origin: unknown.
Comment: This variant is considered benign. This variant is a silent/synonymous amino acid change and it is not expected to impact splicing.

Ambry Genetics
Classification: Likely benign for Hereditary cancer-predisposing syndrome. Last evaluated: 2019-08-19. Review status: criteria provided, single submitter. Criteria: Ambry Variant Classification Scheme 2023. Collection method: clinical testing. Allele origin: germline.

NM_003000.3(SDHB):c.837A>G (p.Ser279=)

Gene: SDHB (succinate dehydrogenase complex iron sulfur subunit B; minus strand). Cytogenetic location: 1p36.13.
Variant type: single nucleotide variant.
Coding change: c.837A>G on transcript NM_003000.3 (MANE Select); coding-DNA position 837, A replaced by G.
Protein change: p.Ser279=; no amino-acid change (serine 279 retained).
Molecular consequence: synonymous variant.
Genome position (GRCh38, 1-based): chr1:17,018,887, T>C on the plus strand (A>G on the coding strand, the complement: SDHB is on the minus strand). VCF-style: chr1-17018887-T-C. GRCh37 (hg19) VCF-style: chr1-17345382-T-C.
Identifiers: ClinVar variation 750812 (VCV000750812.16), dbSNP rs770120161, ClinGen allele CA089774.
Genomic context (GRCh38, chr1:17,018,887, plus strand): 5'-ATAAATTATGTTCAGCTCTGAGCTGGTTATAAATCATGTTTAGCATGGAAACAGTTAAAC[T>C]GAAGCTTTCTTCTCCTTATAGGTTGCCATCATTTTCTTGATCTCTGCAATAGCTTTCCCT-3'
Protein context (NP_002991.2, residues 269-280): MMATYKEKKA[Ser279=]V